The following is an entry in ClinVar:

NM_001378183.1(PIEZO2):c.3907G>C (p.Asp1303His)

Gene: PIEZO2 (piezo type mechanosensitive ion channel component 2; minus strand). Cytogenetic location: 18p11.22.
Variant type: single nucleotide variant.
Coding change: c.3907G>C on transcript NM_001378183.1 (MANE Select); coding-DNA position 3907, G replaced by C.
Protein change: p.Asp1303His; replaces aspartic acid 1303 with histidine.
Molecular consequence: missense variant.
Genome position (GRCh38, 1-based): chr18:10,757,985, C>G on the plus strand (G>C on the coding strand, the complement: PIEZO2 is on the minus strand). VCF-style: chr18-10757985-C-G. GRCh37 (hg19) VCF-style: chr18-10757983-C-G.
Other names: c.3832G>C, p.Asp1278His (NM_022068.4); c.3832G>C (NM_022068.2); short protein forms D1278H, D1303H.
Identifiers: ClinVar variation 757398 (VCV000757398.14), dbSNP rs371703803, ClinGen allele CA8892488.
Genomic context (GRCh38, chr18:10,757,985, plus strand): 5'-GCACACATCAAAGTGGCTTTTAGCAAATGTGAAGCTCTTGTTACCTGCAGTGAATAAAAT[C>G]TGGCACAGGGTTATGTTGGCTGAAGGAGGCCGCATCAAGGTTCATGCAGATCTCGACATT-3'
Protein context (NP_001365112.1, residues 1293-1313): ASFSQHNPVP[Asp1303His]FIHCRSYLDM

ClinVar aggregate classification (germline): Conflicting classifications of pathogenicity. Review status: criteria provided, conflicting classifications (1 of 4 stars). 5 submissions from 5 submitters: Uncertain significance (1); Benign (1); Likely benign (2). 1 of the submissions does not count toward it. Last evaluated 2025-05-13.

Conditions:
Inborn genetic diseases. Identifiers: MedGen C0950123, MeSH D030342.
PIEZO2-related disorder. Also called: PIEZO2-related disorders; PIEZO2-related condition.

Allele frequency attached by ClinVar (database versions not stated): ESP Exome Variant Server 0.00022; gnomAD 0.00025; TOPMed 0.00025; gnomAD exomes 0.00059; ExAC 0.00080.
gnomAD v4.1: 419 of 1,535,436 alleles (0.027%); highest among the groups gnomAD compares: Non-Finnish European, 0.013%; no homozygotes.

Submissions (5):

Women's Health and Genetics/Laboratory Corporation of America, LabCorp
Classification: Likely benign. Last evaluated: 2025-05-13. Review status: criteria provided, single submitter. Criteria: LabCorp Variant Classification Summary - May 2015. Collection method: clinical testing. Allele origin: germline.
Comment: Variant summary: PIEZO2 c.3832G>C (p.Asp1278His) results in a non-conservative amino acid change in the encoded protein sequence. Algorithms developed to predict the effect of missense changes on protein structure and function are either unavailable or do not agree on the potential impact of this missense change. The variant allele was found at a frequency of 0.00027 in 1535436 control chromosomes, predominantly at a frequency of 0.0081 within the Ashkenazi Jewish subpopulation in the gnomAD database. The observed variant frequency within Ashkenazi Jewish control individuals in the gnomAD database (v4) exceeds the estimated maximal expected allele frequency for a pathogenic variant in PIEZO2 causing Arthrogryposis, distal, with impaired proprioception and touch phenotype. To our knowledge, no occurrence of c.3832G>C in individuals affected with Arthrogryposis, distal, with impaired proprioception and touch and no experimental evidence demonstrating its impact on protein function have been reported. ClinVar contains an entry for this variant (Variation ID: 757398). Based on the evidence outlined above, the variant was classified as likely benign.

Labcorp Genetics (formerly Invitae), Labcorp
Classification: Benign. Last evaluated: 2024-09-01. Review status: criteria provided, single submitter. Criteria: Invitae Variant Classification Sherloc (09022015). Collection method: clinical testing. Allele origin: germline.

Ambry Genetics
Classification: Uncertain significance for Inborn genetic diseases. Last evaluated: 2022-05-13. Review status: criteria provided, single submitter. Criteria: Ambry Variant Classification Scheme 2023. Collection method: clinical testing. Allele origin: germline.

Blueprint Genetics
Classification: Likely benign. Last evaluated: 2022-01-11. Review status: criteria provided, single submitter. Criteria: ACMG Guidelines, 2015. Collection method: clinical testing. Allele origin: germline.

PreventionGenetics, part of Exact Sciences
Classification: Benign for PIEZO2-related condition. Last evaluated: 2020-09-23. Review status: no assertion criteria provided. Collection method: clinical testing. Allele origin: germline. Not counted in ClinVar's aggregate classification.
Comment: This variant is classified as benign based on ACMG/AMP sequence variant interpretation guidelines (Richards et al. 2015 PMID: 25741868, with internal and published modifications).